The following is an entry in ClinVar:

ClinVar aggregate classification (germline): Likely benign. Review status: criteria provided, single submitter (1 of 4 stars). 2 submissions from 2 submitters: Likely benign (1). 1 of the submissions does not count toward it. Last evaluated 2021-07-16.

Conditions:
Hereditary cancer-predisposing syndrome. Also called: Neoplastic Syndromes, Hereditary; Hereditary Cancer Syndrome; Tumor predisposition; Hereditary neoplastic syndrome. Identifiers: Orphanet 140162, MedGen C0027672, MeSH D009386, MONDO:0015356.

Allele frequency attached by ClinVar (database versions not stated): gnomAD exomes below 0.00001.
gnomAD v4.1: 3 of 1,613,434 alleles (0.00019%); highest among the groups gnomAD compares: Non-Finnish European, 0.00017%; no homozygotes.

Submissions (2):

Ambry Genetics
Classification: Likely benign for Hereditary cancer-predisposing syndrome. Last evaluated: 2021-07-16. Review status: criteria provided, single submitter. Criteria: Ambry Variant Classification Scheme 2023. Collection method: clinical testing. Allele origin: germline.

Leiden Open Variation Database
Classification: Uncertain significance. Last evaluated: 2019-08-13. Review status: no assertion criteria provided. Collection method: curation. Allele origin: germline. Affected: yes. Not counted in ClinVar's aggregate classification.
Comment: Curator: Arleen D. Auerbach. Submitter to LOVD: Yukihide Momozawa.

Literature cited by the submitters: PubMed 31214711 (cited by Leiden Open Variation Database).

NM_032043.3(BRIP1):c.3576T>C (p.Asp1192=)

Gene: BRIP1 (BRCA1 interacting DNA helicase 1; minus strand). Cytogenetic location: 17q23.2.
Variant type: single nucleotide variant.
Coding change: c.3576T>C on transcript NM_032043.3 (MANE Select); coding-DNA position 3576, T replaced by C.
Protein change: p.Asp1192=; no amino-acid change (aspartic acid 1192 retained).
Molecular consequence: synonymous variant.
Genome position (GRCh38, 1-based): chr17:61,683,470, A>G on the plus strand (T>C on the coding strand, the complement: BRIP1 is on the minus strand). VCF-style: chr17-61683470-A-G. GRCh37 (hg19) VCF-style: chr17-59760831-A-G.
Identifiers: ClinVar variation 929543 (VCV000929543.3), dbSNP rs2061301396, ClinGen allele CA501335233.